The following is an entry in ClinVar:

NM_001128178.3(NPHP1):c.1769A>G (p.Lys590Arg)

Gene: NPHP1 (nephrocystin 1; minus strand). Cytogenetic location: 2q13.
Variant type: single nucleotide variant.
Coding change: c.1769A>G on transcript NM_001128178.3 (MANE Select); coding-DNA position 1769, A replaced by G.
Protein change: p.Lys590Arg; replaces lysine 590 with arginine.
Molecular consequence: missense variant. On other transcripts: 3 prime UTR variant (1).
Genome position (GRCh38, 1-based): chr2:110,124,056, T>C on the plus strand (A>G on the coding strand, the complement: NPHP1 is on the minus strand). VCF-style: chr2-110124056-T-C. GRCh37 (hg19) VCF-style: chr2-110881633-T-C.
Other names: c.1937A>G, p.Lys646Arg (NM_000272.5); c.1580A>G, p.Lys527Arg (NM_001128179.3); c.1766A>G, p.Lys589Arg (NM_001374256.1); c.*11A>G (NM_001374257.1); c.1934A>G, p.Lys645Arg (NM_207181.4); short protein forms K590R, K645R, K646R, K589R, K527R.
Identifiers: ClinVar variation 4990458 (VCV004990458.1).

ClinVar aggregate classification (germline): Uncertain significance (1 of 4 stars; one submission).

Conditions:
NPHP1-related disorder. Also called: NPHP1-related disorders; NPHP1-related condition.

Submission:

PreventionGenetics, part of Exact Sciences
Classification: Uncertain significance for NPHP1-related condition. Last evaluated: 2025-01-29. Review status: criteria provided, single submitter. Criteria: ACMG Guidelines, 2015. Collection method: clinical testing. Allele origin: germline.
Comment: The NPHP1 c.1937A>G variant is predicted to result in the amino acid substitution p.Lys646Arg. To our knowledge, this variant has not been reported in the literature or in a large population database (gnomAD), indicating this variant is rare. At this time, the clinical significance of this variant is uncertain due to the absence of conclusive functional and genetic evidence.